The following is an entry in ClinVar:

NM_000212.3(ITGB3):c.2301+1G>C

Genes: ITGB3 (integrin subunit beta 3; plus strand), EFCAB13-DT (EFCAB13 divergent transcript; minus strand). Cytogenetic location: 17q21.32.
Variant type: single nucleotide variant.
Coding change: c.2301+1G>C on transcript NM_000212.3 (MANE Select); the canonical splice donor site of the intron after coding-DNA position 2301, G replaced by C.
Molecular consequence: splice donor variant.
Genome position (GRCh38, 1-based): chr17:47,307,638, G>C. VCF-style: chr17-47307638-G-C. GRCh37 (hg19) VCF-style: chr17-45385004-G-C.
Other names: NM_000212.3:c.2301+1G>C.
Identifiers: ClinVar variation 2506414 (VCV002506414.1), dbSNP rs2547623841, ClinGen allele CA400034479.

ClinVar aggregate classification (germline): Pathogenic (3 of 4 stars; one submission).

Conditions:
Glanzmann thrombasthenia. Also called: BLEEDING DISORDER, PLATELET-TYPE, 2; THROMBASTHENIA OF GLANZMANN AND NAEGELI; PLATELET GLYCOPROTEIN IIb-IIIa DEFICIENCY; Glanzmann's thrombasthenia; Thrombasthenia. Identifiers: Orphanet 849, MedGen C0040015, MONDO:0100326.

Submission:

ClinGen Platelet Disorders Variant Curation Expert Panel, ClinGen
Classification: Pathogenic for Glanzmann thrombasthenia. Last evaluated: 2023-06-01. Review status: reviewed by expert panel. Criteria: ClinGen Platelet ACMG Specifications v2-1. Collection method: curation. Allele origin: germline. Inheritance: Autosomal recessive inheritance.
Comment: The NM_000212.3(ITGB3):c.2301+1G>C variant occurs within the canonical splice site of intron 14, predicted to cause skipping of exon 14 with a subsequent frameshift resulting in a premature stop codon in exon 15 (the final exon), which would escape NMD. However it disrupts a functionally important region (affecting the transmembrane and cytoplasmic domains of ITGB3) in a gene where loss-of-function is an established disease mechanism (PVS1_Strong). At least one patient (Patient GT-2 in ASH Abstract with this variant displayed mucocutaneous bleeding and impaired aggregation with all agonists except ristocetin, which is highly specific for Glanzmann thrombasthenia. Additionally, αIIbβ3 surface expression was reduced to <10%, as measured by flow cytometry (PP4_strong). This variant is absent from gnomAD v2.1.1 (PM2_Supporting). In summary, this variant meets the criteria to be classified as Pathogenic for autosomal recessive Glanzmann Thrombasthenia based on the ACMG/AMP criteria applied, as specified by the ClinGen PD VCEP: PVS1_strong, PP4_strong, PM2_supporting.